The following is an entry in ClinVar:

NM_001203.3(BMPR1B):c.928A>G (p.Ser310Gly)

Gene: BMPR1B (bone morphogenetic protein receptor type 1B; plus strand). Cytogenetic location: 4q22.3.
Variant type: single nucleotide variant.
Coding change: c.928A>G on transcript NM_001203.3 (MANE Select); coding-DNA position 928, A replaced by G.
Protein change: p.Ser310Gly; replaces serine 310 with glycine.
Molecular consequence: missense variant.
Genome position (GRCh38, 1-based): chr4:95,131,364, A>G. VCF-style: chr4-95131364-A-G. GRCh37 (hg19) VCF-style: chr4-96052515-A-G.
Other names: c.928A>G, p.Ser310Gly (NM_001256792.2, NM_001256794.1); c.1018A>G, p.Ser340Gly (NM_001256793.2); short protein forms S310G, S340G.
Identifiers: ClinVar variation 2039900 (VCV002039900.4), dbSNP rs777487568, ClinGen allele CA3015134.

ClinVar aggregate classification (germline): Uncertain significance (1 of 4 stars; one submission).

Conditions:
Type A2 brachydactyly (BDA2). Also called: BRACHYMESOPHALANGY II; Brachymesophalangy type 2; MOHR-WRIEDT TYPE BRACHYDACTYLY. Identifiers: Orphanet 93396, MedGen C1832702, MONDO:0007216, OMIM 112600, HP:0009372.
Acromesomelic dysplasia 3 (AMD3). Also called: Acromesomelic dysplasia, Demirhan type; CHONDRODYSPLASIA, ACROMESOMELIC, WITH OR WITHOUT GENITAL ANOMALIES. Identifiers: MedGen C4225404, MONDO:0012274, OMIM 609441.

Allele frequency attached by ClinVar (database versions not stated): ExAC 0.00001; gnomAD 0.00001; gnomAD exomes 0.00001; TOPMed 0.00001.

Submission:

Labcorp Genetics (formerly Invitae), Labcorp
Classification: Uncertain significance for Type A2 brachydactyly; Acromesomelic dysplasia 3. Last evaluated: 2024-10-23. Review status: criteria provided, single submitter. Criteria: Invitae Variant Classification Sherloc (09022015). Collection method: clinical testing. Allele origin: germline.
Comment: This sequence change replaces serine, which is neutral and polar, with glycine, which is neutral and non-polar, at codon 310 of the BMPR1B protein (p.Ser310Gly). This variant is present in population databases (rs777487568, gnomAD 0.0009%). This variant has not been reported in the literature in individuals affected with BMPR1B-related conditions. ClinVar contains an entry for this variant (Variation ID: 2039900). Invitae Evidence Modeling of protein sequence and biophysical properties (such as structural, functional, and spatial information, amino acid conservation, physicochemical variation, residue mobility, and thermodynamic stability) indicates that this missense variant is not expected to disrupt BMPR1B protein function with a negative predictive value of 80%. In summary, the available evidence is currently insufficient to determine the role of this variant in disease. Therefore, it has been classified as a Variant of Uncertain Significance.